The following is an entry in ClinVar:

ClinVar aggregate classification (germline): Uncertain significance (1 of 4 stars; one submission).

gnomAD v4.1: 7 of 1,209,641 alleles (0.00058%); highest among the groups gnomAD compares: East Asian, 0.0059%; no homozygotes.

Submission:

Ambry Genetics
Classification: Uncertain significance. Last evaluated: 2026-06-23. Review status: criteria provided, single submitter. Criteria: Ambry Variant Classification Scheme 2023. Collection method: clinical testing. Allele origin: germline.
Comment: The c.695G>A (p.R232H) alteration is located in exon 2 (coding exon 1) of the PJA1 gene. This alteration results from a G to A substitution at nucleotide position 695, causing the arginine (R) at amino acid position 232 to be replaced by a histidine (H). Based on data from gnomAD, the A allele has an overall frequency of 0.002% (3/183241) total alleles studied. The highest observed frequency was 0.014% (2/13861) of East Asian alleles. Based on insufficient or conflicting evidence, the clinical significance of this alteration remains unclear.

NM_001032396.4(PJA1):c.530G>A (p.Arg177His)

Gene: PJA1 (praja ring finger ubiquitin ligase 1; minus strand). Cytogenetic location: Xq13.1.
Variant type: single nucleotide variant.
Coding change: c.530G>A on transcript NM_001032396.4 (MANE Select); coding-DNA position 530, G replaced by A.
Protein change: p.Arg177His; replaces arginine 177 with histidine.
Molecular consequence: missense variant. On other transcripts: intron variant (1).
Genome position (GRCh38, 1-based): chrX:69,162,544, C>T on the plus strand (G>A on the coding strand, the complement: PJA1 is on the minus strand). VCF-style: chrX-69162544-C-T. GRCh37 (hg19) VCF-style: chrX-68382387-C-T.
Other names: c.530G>A, p.Arg177His (NM_001382776.1); c.695G>A, p.Arg232His (NM_145119.4, NM_001382775.1); c.294-163G>A (NM_022368.5); short protein forms R177H, R232H.
Identifiers: ClinVar variation 5026729 (VCV005026729.1).
Genomic context (GRCh38, chrX:69,162,544, plus strand): 5'-TCTGCACTCTTTGAGGTGTTTTCCCCACCACCACAAATACTCACAGGAGCCCTGCTGGGA[C>T]GTGCAGGTAAATTTTGCTCCCTTCTCTCCCTCTCCGAGCTGTCACCTTTTGTAGCCAGCT-3'
Protein context (NP_001027568.1, residues 167-187): RERREQNLPA[Arg177His]PSRAPVSICG